The following is an entry in ClinVar:

ClinVar aggregate classification (germline): Uncertain significance (1 of 4 stars; one submission).

Conditions:
SERPINB6-related disorder. Also called: SERPINB6-related condition.

gnomAD v4.1: 23 of 1,614,046 alleles (0.0014%); highest among the groups gnomAD compares: Non-Finnish European, 0.0016%; no homozygotes.

Submission:

PreventionGenetics, part of Exact Sciences
Classification: Uncertain significance for SERPINB6-related condition. Last evaluated: 2025-02-21. Review status: criteria provided, single submitter. Criteria: ACMG Guidelines, 2015. Collection method: clinical testing. Allele origin: germline.
Comment: The SERPINB6 c.440C>G variant is predicted to result in the amino acid substitution p.Ala147Gly. To our knowledge, this variant has not been reported in the literature. This variant is reported in 0.011% of alleles in individuals of European (Non-Finnish) descent in gnomAD. At this time, the clinical significance of this variant is uncertain due to the absence of conclusive functional and genetic evidence.

NM_004568.6(SERPINB6):c.440C>G (p.Ala147Gly)

Gene: SERPINB6 (serpin family B member 6; minus strand). Cytogenetic location: 6p25.2.
Variant type: single nucleotide variant.
Coding change: c.440C>G on transcript NM_004568.6 (MANE Select); coding-DNA position 440, C replaced by G.
Protein change: p.Ala147Gly; replaces alanine 147 with glycine.
Molecular consequence: missense variant. On other transcripts: non-coding transcript variant (1).
Genome position (GRCh38, 1-based): chr6:2,953,177, G>C on the plus strand (C>G on the coding strand, the complement: SERPINB6 is on the minus strand). VCF-style: chr6-2953177-G-C. GRCh37 (hg19) VCF-style: chr6-2953411-G-C.
Other names: c.452C>G, p.Ala151Gly (NM_001195291.3, NM_001374515.1); c.482C>G, p.Ala161Gly (NM_001271822.2); c.497C>G, p.Ala166Gly (NM_001271823.2); c.440C>G, p.Ala147Gly (NM_001271824.2, NM_001271825.2, NM_001297699.2 and 2 more transcripts); c.308C>G, p.Ala103Gly (NM_001374517.1); short protein forms A103G, A161G, A166G, A151G, A147G.
Identifiers: ClinVar variation 4997960 (VCV004997960.1).